The following is an entry in ClinVar:

ClinVar aggregate classification (germline): Pathogenic. Review status: reviewed by expert panel (3 of 4 stars). 23 submissions from 23 submitters: Pathogenic (1). 22 of the submissions do not count toward it. Last evaluated 2016-09-08.
ClinVar aggregate classification (oncogenicity): Oncogenic (1 of 4 stars; one submission).

Conditions:
BRCA1-related disorder. Also called: BRCA1-related condition.
Inherited ovarian cancer (without breast cancer).
Hereditary cancer-predisposing syndrome. Also called: Tumor predisposition; Neoplastic Syndromes, Hereditary; Hereditary Cancer Syndrome; Hereditary neoplastic syndrome. Identifiers: Orphanet 140162, MedGen C0027672, MeSH D009386, MONDO:0015356.
Hereditary breast ovarian cancer syndrome. Also called: Hereditary breast and ovarian cancer syndrome (HBOC); Hereditary breast and ovarian cancer syndrome; Hereditary breast and ovarian cancer; Hereditary breast and/or ovarian cancer syndrome; Breast and ovarian cancer; BRCA1- and BRCA2-Associated Hereditary Breast and Ovarian Cancer. Identifiers: Orphanet 145, MedGen C0677776, MeSH D061325, MONDO:0003582. Disease mechanism: loss of function.
Breast-ovarian cancer, familial, susceptibility to, 1 (BROVCA1). Also called: OVARIAN CANCER, SUSCEPTIBILITY TO; BRCA1 Hereditary Breast and Ovarian Cancer. Identifiers: Orphanet 145, MedGen C2676676, MONDO:0011450, OMIM 604370. Disease mechanism: loss of function.
Familial cancer of breast. Also called: Hereditary breast cancer; hereditary breast carcinoma; BREAST CANCER, FAMILIAL. Identifiers: Orphanet 227535, MedGen C0346153, MONDO:0016419, OMIM 114480. Disease mechanism: loss of function.
Neoplasm. Also called: tumor; Neoplasms; Neoplasm (disease). Identifiers: MedGen C0027651, MeSH D009369, MONDO:0005070, HP:0002664.

Submissions 1 to 12 of 24:

Evidence-based Network for the Interpretation of Germline Mutant Alleles (ENIGMA)
Classification: Pathogenic for Breast-ovarian cancer, familial, susceptibility to, 1. Last evaluated: 2016-09-08. Review status: reviewed by expert panel. Criteria: ENIGMA BRCA1/2 Classification Criteria (2015). Collection method: curation. Allele origin: germline.
Comment: Variant allele predicted to encode a truncated non-functional protein.

Cambridge Genomics Laboratory, East Genomic Laboratory Hub, NHS Genomic Medicine Service
Classification: Pathogenic for Inherited ovarian cancer (without breast cancer). Last evaluated: 2026-01-20. Review status: criteria provided, single submitter. Criteria: ACGS Best Practice Guidelines for Variant Classification in Rare Disease 2020. Collection method: clinical testing. Allele origin: germline. Affected: yes. Not counted in ClinVar's aggregate classification.
Comment: PVS1,PM2,PM5_Strong

Center for Genomic Medicine, Rigshospitalet, Copenhagen University Hospital
Classification: Oncogenic for Neoplasm. Last evaluated: 2025-12-29. Review status: criteria provided, single submitter. Criteria: ClinGen/CGC/VICC Guidelines for Oncogenicity, 2022. Collection method: clinical testing. Allele origin: somatic. Affected: yes.

Labcorp Genetics (formerly Invitae), Labcorp
Classification: Pathogenic for Hereditary breast ovarian cancer syndrome. Last evaluated: 2025-12-24. Review status: criteria provided, single submitter. Criteria: Invitae Variant Classification Sherloc (09022015). Collection method: clinical testing. Allele origin: germline. Not counted in ClinVar's aggregate classification.
Comment: This sequence change creates a premature translational stop signal (p.Glu111Glyfs*3) in the BRCA1 gene. It is expected to result in an absent or disrupted protein product. Loss-of-function variants in BRCA1 are known to be pathogenic (PMID: 20104584). The frequency data for this variant in the population databases is considered unreliable, as metrics indicate poor data quality at this position in the gnomAD database. This premature translational stop signal has been observed in individual(s) with breast and/or ovarian cancer (PMID: 10644434, 15146556, 20858050, 22762150, 25452441, 26577449). This variant is also known as 448insA. ClinVar contains an entry for this variant (Variation ID: 54827). For these reasons, this variant has been classified as Pathogenic.

Institute of Immunology and Genetics Kaiserslautern
Classification: Pathogenic for Breast-ovarian cancer, familial, susceptibility to, 1. Last evaluated: 2025-07-29. Review status: criteria provided, single submitter. Criteria: ACMG Guidelines, 2015. Collection method: clinical testing. Allele origin: germline. Affected: yes. Not counted in ClinVar's aggregate classification.
Comment: ACMG Criteria: PVS1, PM2, PP5_M.

Ambry Genetics
Classification: Pathogenic for Hereditary cancer-predisposing syndrome. Last evaluated: 2025-06-02. Review status: criteria provided, single submitter. Criteria: Ambry Variant Classification Scheme 2023. Collection method: clinical testing. Allele origin: germline. Not counted in ClinVar's aggregate classification.
Comment: The c.329dupA pathogenic mutation, located in coding exon 5 of the BRCA1 gene, results from a duplication of A at nucleotide position 329, causing a translational frameshift with a predicted alternate stop codon (p.E111Gfs*3). This variant has been reported in multiple individuals with personal and/or family history consistent with hereditary breast and ovarian cancer (HBOC) syndrome (Reeves M et al. Int J Cancer. 2004 Jul 10;110(5):677-82; Lecarpentier J et al. Breast Cancer Res., 2012 Jul;14:R99; Couch FJ et al. J. Clin. Oncol., 2015 Feb;33:304-11; Apessos A et al. Cancer Genet, 2018 Jan;220:1-12; Alhuqail AJ et al. Breast Cancer Res. Treat., 2018 Apr;168:695-702; Rebbeck TR et al. Hum. Mutat., 2018 May;39:593-620). Of note, this alteration is also designated as 448insA and 448dupA in the literature. This variant is considered to be rare based on population cohorts in the Genome Aggregation Database (gnomAD). In addition to the clinical data presented in the literature, this alteration is expected to result in loss of function by premature protein truncation or nonsense-mediated mRNA decay. As such, this alteration is interpreted as a disease-causing mutation.

Center for Genomic Medicine, Rigshospitalet, Copenhagen University Hospital
Classification: Pathogenic. Last evaluated: 2025-03-04. Review status: criteria provided, single submitter. Criteria: ACMG Guidelines, 2015. Collection method: clinical testing. Allele origin: germline. Not counted in ClinVar's aggregate classification.

Quest Diagnostics Nichols Institute San Juan Capistrano
Classification: Pathogenic. Last evaluated: 2025-02-02. Review status: criteria provided, single submitter. Criteria: Quest Diagnostics criteria. Collection method: clinical testing. Allele origin: unknown. Not counted in ClinVar's aggregate classification.
Comment: The BRCA1 c.329dup (p.Glu111Glyfs*3) variant alters the translational reading frame of the BRCA1 mRNA and causes the premature termination of BRCA1 protein synthesis. This variant has been reported in the published literature in individuals with breast cancer (PMID: 33471991 (2021), 30875412 (2019), 30130155 (2018), 29625052 (2018), 25452441 (2015), 11802209 (2002), see also LOVD), ovarian cancer (PMID: 29297111 (2018)), and fallopian tube cancer (PMID: 15146556 (2004)). The frequency of this variant in the general population (Genome Aggregation Database) is consistent with pathogenicity. Based on the available information, this variant is classified as pathogenic.

Blueprint Genetics
Classification: Pathogenic for BRCA1-related disorders. Last evaluated: 2024-03-05. Review status: criteria provided, single submitter. Criteria: ACMG Guidelines, 2015. Collection method: clinical testing. Allele origin: germline. Affected: yes. Observed: 1 variant allele. Not counted in ClinVar's aggregate classification.

Institute of Human Genetics, University of Leipzig Medical Center
Classification: Pathogenic for Breast-ovarian cancer, familial, susceptibility to, 1. Last evaluated: 2024-02-13. Review status: criteria provided, single submitter. Criteria: ACMG Guidelines, 2015. Collection method: clinical testing. Allele origin: unknown. Inheritance: Autosomal dominant inheritance. Affected: yes. Not counted in ClinVar's aggregate classification.
Comment: Criteria applied: PVS1,PM5_STR,PM2_SUP

Baylor Genetics
Classification: Pathogenic for Breast-ovarian cancer, familial, susceptibility to, 1. Last evaluated: 2023-12-17. Review status: criteria provided, single submitter. Criteria: ACMG Guidelines, 2015. Collection method: clinical testing. Allele origin: unknown. Not counted in ClinVar's aggregate classification.

Women's Health and Genetics/Laboratory Corporation of America, LabCorp
Classification: Pathogenic for Hereditary breast ovarian cancer syndrome. Last evaluated: 2023-11-20. Review status: criteria provided, single submitter. Criteria: LabCorp Variant Classification Summary - May 2015. Collection method: clinical testing. Allele origin: germline. Not counted in ClinVar's aggregate classification.
Comment: Variant summary: BRCA1 c.329dupA (p.Glu111GlyfsX3) results in a premature termination codon, predicted to cause a truncation of the encoded protein or absence of the protein due to nonsense mediated decay, which are commonly known mechanisms for disease. The frequency data for this variant in gnomAD is considered unreliable, as metrics indicate poor data quality at this position. c.329dupA has been reported in the literature in individuals affected with breast cancer (e.g. Zheng_2018). To our knowledge, no experimental evidence demonstrating an impact on protein function has been reported. The following publication has been ascertained in the context of this evaluation (PMID: 30130155). 12 submitters, including an expert panel (ENIGMA), have cited clinical-significance assessments for this variant to ClinVar after 2014. All submitters classified the variant as pathogenic. Based on the evidence outlined above, the variant was classified as pathogenic.

NM_007294.4(BRCA1):c.329dup (p.Glu111fs)

Gene: BRCA1 (BRCA1 DNA repair associated; minus strand). Cytogenetic location: 17q21.31.
Variant type: Duplication.
Coding change: c.329dup on transcript NM_007294.4 (MANE Select); coding-DNA position 329, one base duplicated (A; older notation c.329dupA).
Protein change: p.Glu111fs; shifts the reading frame from glutamic acid 111.
Molecular consequence: frameshift variant. On other transcripts: non-coding transcript variant (1).
Genome position (GRCh38, 1-based): chr17:43,104,234, T duplicated on the plus strand (A on the coding strand, the reverse complement: BRCA1 is on the minus strand); the first of 6 consecutive T bases (chr17:43,104,234-43,104,239); duplicating any one gives the same sequence. VCF-style (leftmost placement, unchanged base first): chr17-43104233-C-CT. GRCh37 (hg19) VCF-style: chr17-41256250-C-CT.
Other names: 448insA; c.329dupA (NM_007294.3); c.114dup, p.Glu41Glyfs (NM_001407571.1, NM_001407853.1, NM_001407879.1 and 58 more transcripts); c.324dup, p.Glu111Glyfs (NM_001407581.1, NM_001407582.1, NM_001407583.1 and 163 more transcripts); c.315dup, p.Glu108Glyfs (NM_001407646.1, NM_001407647.1, NM_001408408.1); c.246dup, p.Glu85Glyfs (NM_001407653.1, NM_001407654.1, NM_001407655.1 and 21 more transcripts); c.183dup, p.Glu64Glyfs (NM_001407692.1, NM_001407694.1, NM_001407695.1 and 98 more transcripts); c.-58dup (NM_001407959.1, NM_001407960.1, NM_001407962.1 and 4 more transcripts); and 3 more; short protein forms E111fs, E64fs.
Identifiers: ClinVar variation 54827 (VCV000054827.39), dbSNP rs80357604, ClinGen allele CA002126.